The following is an entry in ClinVar:

NM_001039348.3(EFEMP1):c.445A>G (p.Ile149Val)

Gene: EFEMP1 (EGF-like fibulin extracellular matrix protein 1; minus strand). Cytogenetic location: 2p16.1.
Variant type: single nucleotide variant.
Coding change: c.445A>G on transcript NM_001039348.3 (MANE Select); coding-DNA position 445, A replaced by G.
Protein change: p.Ile149Val; replaces isoleucine 149 with valine.
Molecular consequence: missense variant.
Genome position (GRCh38, 1-based): chr2:55,917,737, T>C on the plus strand (A>G on the coding strand, the complement: EFEMP1 is on the minus strand). VCF-style: chr2-55917737-T-C. GRCh37 (hg19) VCF-style: chr2-56144872-T-C.
Other names: c.445A>G, p.Ile149Val (NM_001039349.3); short protein forms I149V.
Identifiers: ClinVar variation 1959878 (VCV001959878.5), dbSNP rs758078998, ClinGen allele CA1668940.

ClinVar aggregate classification (germline): Uncertain significance (1 of 4 stars; one submission).

Allele frequency attached by ClinVar (database versions not stated): gnomAD exomes below 0.00001; TOPMed below 0.00001; ExAC 0.00001.
gnomAD v4.1: 2 of 1,614,194 alleles (0.00012%); highest among the groups gnomAD compares: South Asian, 0.0022%; no homozygotes.

Submission:

Labcorp Genetics (formerly Invitae), Labcorp
Classification: Uncertain significance. Last evaluated: 2021-12-04. Review status: criteria provided, single submitter. Criteria: Invitae Variant Classification Sherloc (09022015). Collection method: clinical testing. Allele origin: germline.
Comment: In summary, the available evidence is currently insufficient to determine the role of this variant in disease. Therefore, it has been classified as a Variant of Uncertain Significance. Algorithms developed to predict the effect of missense changes on protein structure and function output the following: SIFT: "Tolerated"; PolyPhen-2: "Benign"; Align-GVGD: "Class C0". The valine amino acid residue is found in multiple mammalian species, which suggests that this missense change does not adversely affect protein function. This variant has not been reported in the literature in individuals affected with EFEMP1-related conditions. This variant is present in population databases (rs758078998, gnomAD 0.006%). This sequence change replaces isoleucine, which is neutral and non-polar, with valine, which is neutral and non-polar, at codon 149 of the EFEMP1 protein (p.Ile149Val).